The following is an entry in ClinVar:

ClinVar aggregate classification (germline): Benign. Review status: criteria provided, multiple submitters, no conflicts (2 of 4 stars). 2 submissions from 2 submitters: Benign (2). Last evaluated 2024-01-24.

Allele frequency attached by ClinVar (database versions not stated): ESP Exome Variant Server 0.16285; ExAC 0.22234; 1000 Genomes Project 0.27097; TOPMed 0.19138; gnomAD 0.19359; 1000 Genomes Project 30x 0.27186.
gnomAD v4.1: 283,609 of 1,613,966 alleles (18%); highest among the groups gnomAD compares: East Asian, 39%; 28,214 homozygotes.

Submissions (2):

Unidad de Genómica Garrahan, Hospital de Pediatría Garrahan
Classification: Benign. Last evaluated: 2024-01-24. Review status: criteria provided, single submitter. Criteria: ACMG Guidelines, 2015. Collection method: clinical testing. Allele origin: germline. Affected: no. Observed: 48 variant alleles.
Comment: This variant is classified as Benign based on local population frequency. This variant was detected in 51% of patients studied by a panel of primary immunodeficiencies. Number of patients: 48. Only high quality variants are reported.

Mayo Clinic Laboratories, Mayo Clinic
Classification: Benign. Last evaluated: 2022-09-06. Review status: criteria provided, single submitter. Criteria: ACMG Guidelines, 2015. Collection method: clinical testing. Allele origin: germline. Observed: 116 variant alleles.

NM_002945.5(RPA1):c.1056C>T (p.Ser352=)

Gene: RPA1 (replication protein A1; plus strand). Cytogenetic location: 17p13.3.
Variant type: single nucleotide variant.
Coding change: c.1056C>T on transcript NM_002945.5 (MANE Select); coding-DNA position 1056, C replaced by T.
Protein change: p.Ser352=; no amino-acid change (serine 352 retained).
Molecular consequence: synonymous variant.
Genome position (GRCh38, 1-based): chr17:1,879,663, C>T. VCF-style: chr17-1879663-C-T. GRCh37 (hg19) VCF-style: chr17-1782957-C-T.
Other names: p.Ser352=; c.1017C>T, p.Ser339= (NM_001355120.2); c.1056C>T, p.Ser352= (NM_001355121.2).
Identifiers: ClinVar variation 2688119 (VCV002688119.3), dbSNP rs2230930, ClinGen allele CA8276170.